The following is an entry in ClinVar:

NM_001267550.2(TTN):c.87355del (p.Ala29119fs)

Genes: TTN (titin; minus strand), TTN-AS1 (TTN antisense RNA 1; plus strand). Cytogenetic location: 2q31.2.
Variant type: Deletion.
Coding change: c.87355del on transcript NM_001267550.2 (MANE Select); coding-DNA position 87355, one base deleted (G; older notation c.87355delG).
Protein change: p.Ala29119fs; shifts the reading frame from alanine 29119.
Molecular consequence: frameshift variant.
Genome position (GRCh38, 1-based): chr2:178,557,999, C deleted on the plus strand (G on the coding strand, the reverse complement: TTN is on the minus strand). VCF-style (leftmost placement, unchanged base first): chr2-178557998-GC-G. GRCh37 (hg19) VCF-style: chr2-179422725-GC-G.
Other names: c.87355del (LRG_391t1, NM_001267550.1); c.82432delG (NM_001256850.1); c.82432del, p.Ala27478fs (NM_001256850.1); c.60160del, p.Ala20054fs (NM_003319.4); c.79651del, p.Ala26551fs (NM_133378.4); c.60535del, p.Ala20179fs (NM_133432.3); c.60736del, p.Ala20246fs (NM_133437.4); c.60160delG (NM_003319.4); short protein forms A20246fs, A29119fs, A20054fs, A26551fs, A20179fs, A27478fs.
Identifiers: ClinVar variation 202484 (VCV000202484.24), dbSNP rs794729356, ClinGen allele CA309447.

ClinVar aggregate classification (germline): Pathogenic/Likely pathogenic. Review status: criteria provided, multiple submitters, no conflicts (2 of 4 stars). 7 submissions from 7 submitters: Pathogenic (3); Likely pathogenic (1). 3 of the submissions do not count toward it. Last evaluated 2025-07-01.

Conditions:
Cardiovascular phenotype. Identifiers: MedGen CN230736.
Autosomal recessive limb-girdle muscular dystrophy type 2J (LGMDR10). Also called: Limb-girdle muscular dystrophy, type 2J; MUSCULAR DYSTROPHY, LIMB-GIRDLE, AUTOSOMAL RECESSIVE 10. Identifiers: Orphanet 140922, MedGen C1837342, MONDO:0012127, OMIM 608807.
Dilated cardiomyopathy 1G (CMD1G). Identifiers: Orphanet 154, MedGen C1858763, MONDO:0011400, OMIM 604145.
Dilated cardiomyopathy 1S (CMD1S). Identifiers: Orphanet 154, Orphanet 54260, MedGen C1834481, MONDO:0013262, OMIM 613426.

Allele frequency attached by ClinVar (database versions not stated): gnomAD exomes below 0.00001.

Submissions (7):

CeGaT Center for Human Genetics Tuebingen
Classification: Likely pathogenic. Last evaluated: 2025-07-01. Review status: criteria provided, single submitter. Criteria: CeGaT Center For Human Genetics Tuebingen Variant Classification Criteria Version 2. Collection method: clinical testing. Allele origin: germline. Affected: yes. Observed: 2 variant alleles.
Comment: TTN: PVS1:Strong, PM2, PS4:Moderate

Ambry Genetics
Classification: Pathogenic for Cardiovascular phenotype. Last evaluated: 2024-06-17. Review status: criteria provided, single submitter. Criteria: Ambry Variant Classification Scheme 2023. Collection method: clinical testing. Allele origin: germline.
Comment: The c.60160delG pathogenic mutation, located in coding exon 155 of the TTN gene, results from a deletion of one nucleotide at nucleotide position 60160, causing a translational frameshift with a predicted alternate stop codon (p.A20054Lfs*17). This exon is located in the A-band region of the N2-B isoform of the titin protein and is constitutively expressed in TTN transcripts (percent spliced in or PSI 100%). This alteration has been reported in individuals with dilated cardiomyopathy (DCM) (Franaszczyk M et al. PLoS One, 2017 Jan;12:e0169007; Klauke B et al. PLoS One, 2017 Dec;12:e0189489). This variant is considered to be rare based on population cohorts in the Genome Aggregation Database (gnomAD). This alteration is expected to result in loss of function by premature protein truncation or nonsense-mediated mRNA decay. While truncating variants in TTN are present in 1-3% of the general population, truncating variants in the A-band are the most common cause of DCM (Herman DS et al. N. Engl. J. Med., 2012 Feb;366:619-28; Roberts AM et al. Sci Transl Med, 2015 Jan;7:270ra6). TTN truncating variants encoded in constitutive exons (PSI >90%) have been found to be significantly associated with DCM regardless of their position in titin (Schafer S et al. Nat. Genet., 2017 01;49:46-53). Based on the supporting evidence, this variant is interpreted as a disease-causing mutation.

Labcorp Genetics (formerly Invitae), Labcorp
Classification: Pathogenic for Dilated cardiomyopathy 1G; Autosomal recessive limb-girdle muscular dystrophy type 2J. Last evaluated: 2024-05-19. Review status: criteria provided, single submitter. Criteria: Invitae Variant Classification Sherloc (09022015). Collection method: clinical testing. Allele origin: germline.
Comment: This sequence change creates a premature translational stop signal (p.Ala29119Leufs*17) in the TTN gene. While this is not anticipated to result in nonsense mediated decay, it is expected to create a truncated TTN protein. This variant is not present in population databases (gnomAD no frequency). This premature translational stop signal has been observed in individuals with dilated cardiomyopathy (PMID: 28045975, 29253866). It has also been observed to segregate with disease in related individuals. ClinVar contains an entry for this variant (Variation ID: 202484). This variant is located in the A band of TTN (PMID: 25589632). Truncating variants in this region are significantly overrepresented in patients affected with dilated cardiomyopathy (PMID: 25589632). Truncating variants in this region have also been reported in individuals affected with autosomal recessive centronuclear myopathy (PMID: 23975875). For these reasons, this variant has been classified as Pathogenic.

GeneDx
Classification: Pathogenic. Last evaluated: 2022-12-12. Review status: criteria provided, single submitter. Criteria: GeneDx Variant Classification Process June 2021. Collection method: clinical testing. Allele origin: germline. Affected: yes.
Comment: Not observed at significant frequency in large population cohorts (gnomAD); Frameshift variant predicted to result in protein truncation and nonsense mediated decay in a gene for which loss-of-function is a known mechanism of disease; Located in the A-band region of TTN in which the majority of loss of function variants have been associated with autosomal dominant titinopathies (Herman et al., 2012); This variant is associated with the following publications: (PMID: 22335739, 28045975, 29253866)

Diagnostics Centre, Carl Von Ossietzky University Oldenburg
Classification: Pathogenic for Dilated cardiomyopathy 1S. Last evaluated: 2025-06-13. Review status: no assertion criteria provided. Collection method: clinical testing. Allele origin: germline. Affected: yes. Observed: 1 variant allele. Not counted in ClinVar's aggregate classification.
Comment: The variant TTN:c.87355del p.(Ala29119Leufs*17) is located in the exon 328 of the TTN gene. The change results in a frameshift at protein position 29119 and the formation of a premature stop codon after 17 amino acids. The variant affects an exon [328/363] present in a biologically relevant transcript and is predicted to cause protein truncation/absent due to nonsense mediated decay, in a gene where loss-of-function is a known mechanism of disease. The variant has been classified as (Likely) Pathogenic in four entries in ClinVar (VCV000202484.19). The variant is likely to be associated to DCM and has been reported in multiple unrelated individuals affected with TTN-associated disorders (PMID: 28045975, 29253866). The variant is classified as rare in the general population (MAF 1.85 * e-6 in gnomAD). In summary, the variant is classified as Pathogenic.

Clinical Genetics Laboratory, University Hospital Schleswig-Holstein
Classification: Likely pathogenic for Dilated cardiomyopathy 1G. Last evaluated: 2024-06-14. Review status: no assertion criteria provided. Collection method: clinical testing. Allele origin: germline. Affected: yes. Not counted in ClinVar's aggregate classification.

Institut für Laboratoriums- und Transfusionsmedizin, Herz- und Diabeteszentrum Nordrhein-Westfalen
Classification: Likely pathogenic for Dilated cardiomyopathy 1S. Last evaluated: 2016-05-01. Review status: no assertion criteria provided. Collection method: clinical testing. Allele origin: germline. Affected: yes. Observed: 1 variant allele. Not counted in ClinVar's aggregate classification.

Literature cited by the submitters: PubMed 28045975 (cited by 3 submitters); PubMed 29253866 (cited by 3 submitters); PubMed 25589632 (cited by Labcorp Genetics (formerly Invitae), Labcorp); PubMed 23975875 (cited by Labcorp Genetics (formerly Invitae), Labcorp).